The following is an entry in ClinVar:

NM_001164508.2(NEB):c.24394G>C (p.Val8132Leu)

Genes: NEB (nebulin; minus strand), RIF1 (replication timing regulatory factor 1; plus strand). Cytogenetic location: 2q23.3.
Variant type: single nucleotide variant.
Coding change: c.24394G>C on transcript NM_001164508.2 (MANE Select); coding-DNA position 24394, G replaced by C.
Protein change: p.Val8132Leu; replaces valine 8132 with leucine.
Molecular consequence: missense variant.
Genome position (GRCh38, 1-based): chr2:151,496,368, C>G on the plus strand (G>C on the coding strand, the complement: NEB is on the minus strand). VCF-style: chr2-151496368-C-G. GRCh37 (hg19) VCF-style: chr2-152352882-C-G.
Other names: c.24394G>C, p.Val8132Leu (NM_001164507.2); c.24499G>C, p.Val8167Leu (NM_001271208.2); c.18826G>C, p.Val6276Leu (NM_004543.5); short protein forms V8132L, V8167L, V6276L.
Identifiers: ClinVar variation 1952548 (VCV001952548.2), dbSNP rs949654207, ClinGen allele CA348778444.

ClinVar aggregate classification (germline): Uncertain significance (1 of 4 stars; one submission).

Conditions:
Nemaline myopathy 2 (NEM2). Also called: Nemaline myopathy 2, autosomal recessive. Identifiers: MedGen C1850569, MONDO:0009725, OMIM 256030.

Submission:

Labcorp Genetics (formerly Invitae), Labcorp
Classification: Uncertain significance for Nemaline myopathy 2. Last evaluated: 2021-05-31. Review status: criteria provided, single submitter. Criteria: Invitae Variant Classification Sherloc (09022015). Collection method: clinical testing. Allele origin: germline.
Comment: This sequence change replaces valine with leucine at codon 8167 of the NEB protein (p.Val8167Leu). The valine residue is moderately conserved and there is a small physicochemical difference between valine and leucine. This variant is not present in population databases (ExAC no frequency). This variant has not been reported in the literature in individuals with NEB-related conditions. Algorithms developed to predict the effect of missense changes on protein structure and function are either unavailable or do not agree on the potential impact of this missense change (SIFT: "Deleterious"; PolyPhen-2: "Not Available"; Align-GVGD: "Class C0"). Algorithms developed to predict the effect of sequence changes on RNA splicing suggest that this variant may disrupt the consensus splice site, but this prediction has not been confirmed by published transcriptional studies. In summary, the available evidence is currently insufficient to determine the role of this variant in disease. Therefore, it has been classified as a Variant of Uncertain Significance.